The following is an entry in ClinVar:

NM_001347721.2(DYRK1A):c.1072-294T>G

Gene: DYRK1A (dual specificity tyrosine phosphorylation regulated kinase 1A; plus strand). Cytogenetic location: 21q22.13.
Variant type: single nucleotide variant.
Coding change: c.1072-294T>G on transcript NM_001347721.2 (MANE Select); 294 bases into the intron before coding-DNA position 1072, T replaced by G.
Molecular consequence: intron variant.
Genome position (GRCh38, 1-based): chr21:37,495,824, T>G. VCF-style: chr21-37495824-T-G. GRCh37 (hg19) VCF-style: chr21-38868126-T-G.
Other names: c.1099-294T>G (NM_001396.5, NM_101395.2, NM_130438.2); c.1072-294T>G (NM_001347722.2, NM_130436.2); c.985-294T>G (NM_001347723.2).
Identifiers: ClinVar variation 669822 (VCV000669822.1), dbSNP rs56031299, ClinGen allele CA320456890.
Genomic context (GRCh38, chr21:37,495,824, plus strand): 5'-CCTGGGTGACAGAGACCCTGTCTCAAAAATAAGTAAATAAAAAAAATTTTTTTAATAAAA[T>G]TCTCCCAAAACAGAAACTTTAAAACTTCCTCTCATCTTTCCTTACTGTTCAACATTGTAT-3'

ClinVar aggregate classification (germline): Benign (1 of 4 stars; one submission).

Allele frequency attached by ClinVar (database versions not stated): gnomAD 0.08207 and 0.08815; 1000 Genomes Project 0.08347; 1000 Genomes Project 30x 0.08838; TOPMed 0.09213.
gnomAD v4.1: 12,369 of 152,122 alleles (8.1%); highest among the groups gnomAD compares: African/African-American, 28%; 1,708 homozygotes.

Submission:

GeneDx
Classification: Benign. Last evaluated: 2018-06-14. Review status: criteria provided, single submitter. Criteria: GeneDx Variant Classification (06012015). Collection method: clinical testing. Allele origin: germline. Affected: yes.
Comment: This variant is considered likely benign or benign based on one or more of the following criteria: it is a conservative change, it occurs at a poorly conserved position in the protein, it is predicted to be benign by multiple in silico algorithms, and/or has population frequency not consistent with disease.